The following is an entry in ClinVar:

ClinVar aggregate classification (germline): Uncertain significance. Review status: criteria provided, multiple submitters, no conflicts (2 of 4 stars). 6 submissions from 6 submitters: Uncertain significance (6). Last evaluated 2025-10-07.

Conditions:
Inborn genetic diseases. Identifiers: MedGen C0950123, MeSH D030342.
Benign neonatal seizures. Also called: Convulsions benign familial neonatal dominant form; Autosomal dominant form of benign neonatal seizures; Benign familial neonatal seizures; Benign neonatal familial convulsions; Benign familial neonatal epilepsy. Identifiers: Orphanet 1949, MedGen C0220669, MONDO:0016027.
Seizures, benign familial neonatal, 2. Also called: Seizures, benign neonatal, 2; KCNQ3-Related Self-Limited Familial Neonatal Epilepsy (SLFNE); CONVULSIONS, BENIGN FAMILIAL NEONATAL, 2; Benign Neonatal Epilepsy 2; KCNQ3-Related Benign Familial Neonatal Epilepsy. Identifiers: Orphanet 1949, MedGen C1852581, MONDO:0007366, OMIM 121201.

Allele frequency attached by ClinVar (database versions not stated): gnomAD exomes 0.00004 and 0.00002; ESP Exome Variant Server 0.00008; gnomAD 0.00001; TOPMed 0.00002.
gnomAD v4.1: 57 of 1,610,046 alleles (0.0035%); highest among the groups gnomAD compares: Non-Finnish European, 0.0047%; 1 homozygote.

Submissions (6):

Labcorp Genetics (formerly Invitae), Labcorp
Classification: Uncertain significance for Benign neonatal seizures. Last evaluated: 2025-10-07. Review status: criteria provided, single submitter. Criteria: Invitae Variant Classification Sherloc (09022015). Collection method: clinical testing. Allele origin: germline.
Comment: This sequence change replaces methionine, which is neutral and non-polar, with threonine, which is neutral and polar, at codon 570 of the KCNQ3 protein (p.Met570Thr). This variant is present in population databases (rs199999939, gnomAD 0.004%). This missense change has been observed in individual(s) with clinical features of KCNQ3-related conditions (PMID: 32086284). ClinVar contains an entry for this variant (Variation ID: 205975). Invitae Evidence Modeling of protein sequence and biophysical properties (such as structural, functional, and spatial information, amino acid conservation, physicochemical variation, residue mobility, and thermodynamic stability) indicates that this missense variant is not expected to disrupt KCNQ3 protein function with a negative predictive value of 80%. In summary, the available evidence is currently insufficient to determine the role of this variant in disease. Therefore, it has been classified as a Variant of Uncertain Significance.

CeGaT Center for Human Genetics Tuebingen
Classification: Uncertain significance. Last evaluated: 2021-06-01. Review status: criteria provided, single submitter. Criteria: CeGaT Center For Human Genetics Tuebingen Variant Classification Criteria Version 2. Collection method: clinical testing. Allele origin: germline. Affected: yes. Observed: 1 variant allele.

Ambry Genetics
Classification: Uncertain significance for Inborn genetic diseases. Last evaluated: 2018-07-27. Review status: criteria provided, single submitter. Criteria: Ambry Variant Classification Scheme 2023. Collection method: clinical testing. Allele origin: germline.
Comment: The p.M570T variant (also known as c.1709T>C), located in coding exon 13 of the KCNQ3 gene, results from a T to C substitution at nucleotide position 1709. The methionine at codon 570 is replaced by threonine, an amino acid with similar properties. In one study of Rolandic epilepsy, this variant was detected in one of 567 controls, but absent in 194 patients (Bobbili DR et al. Eur. J. Hum. Genet., 2018 Feb;26:258-264). This amino acid position is well conserved in available vertebrate species. In addition, this alteration is predicted to be deleterious by in silico analysis. Since supporting evidence is limited at this time, the clinical significance of this alteration remains unclear.

GeneDx
Classification: Uncertain significance. Last evaluated: 2018-07-12. Review status: criteria provided, single submitter. Criteria: GeneDx Variant Classification (06012015). Collection method: clinical testing. Allele origin: germline. Affected: yes.
Comment: p.Met570Thr (ATG>ACG): c.1709 T>C in exon 13 of the KCNQ3 gene (NM_004519.2) The M570T variant has not been published as a mutation, nor has it been reported as a benign polymorphism to our knowledge. It was not observed with any significant frequency in approximately 6,500 individuals of European and African American ancestry in the NHLBI Exome Sequencing Project. The M570T variant is a non-conservative amino acid substitution, which is likely to impact secondary protein structure as these residues differ in polarity, charge, size and/or other properties. This substitution occurs at a position that is conserved across species, and in silico analysis predicts this variant is probably damaging to the protein structure/function. Therefore, based on the currently available information, it is unclear whether this variant is a pathogenic mutation or a rare benign variant. The variant is found in EPILEPSY panel(s).

Athena Diagnostics
Classification: Uncertain significance. Last evaluated: 2018-07-10. Review status: criteria provided, single submitter. Criteria: Athena Diagnostics Criteria. Collection method: clinical testing. Allele origin: germline.

Illumina Laboratory Services, Illumina
Classification: Uncertain significance for Seizures, benign familial neonatal, 2. Last evaluated: 2017-04-27. Review status: criteria provided, single submitter. Criteria: ICSL Variant Classification Criteria 13 December 2019. Collection method: clinical testing. Allele origin: germline.

Literature cited by the submitters: PubMed 32086284 (cited by Labcorp Genetics (formerly Invitae), Labcorp); PubMed 29358611 (cited by Ambry Genetics).

NM_004519.4(KCNQ3):c.1709T>C (p.Met570Thr)

Gene: KCNQ3 (potassium voltage-gated channel subfamily Q member 3; minus strand). Cytogenetic location: 8q24.22.
Variant type: single nucleotide variant.
Coding change: c.1709T>C on transcript NM_004519.4 (MANE Select); coding-DNA position 1709, T replaced by C.
Protein change: p.Met570Thr; replaces methionine 570 with threonine.
Molecular consequence: missense variant.
Genome position (GRCh38, 1-based): chr8:132,134,380, A>G on the plus strand (T>C on the coding strand, the complement: KCNQ3 is on the minus strand). VCF-style: chr8-132134380-A-G. GRCh37 (hg19) VCF-style: chr8-133146627-A-G.
Other names: p.M570T:ATG>ACG; c.1349T>C, p.Met450Thr (NM_001204824.2); short protein forms M570T, M450T.
Identifiers: ClinVar variation 205975 (VCV000205975.47), dbSNP rs199999939, ClinGen allele CA315617.